The following is an entry in ClinVar:

GRCh37/hg19 15q13.2-13.3(chr15:30935361-32444840)x3

Genes: CHRNA7 (cholinergic receptor nicotinic alpha 7 subunit), FAN1 (FANCD2 and FANCI associated nuclease 1; plus strand), KLF13 (KLF transcription factor 13; plus strand), MIR211 (microRNA 211; minus strand), MTMR10 (myotubularin related protein 10; minus strand) and 2 more. Cytogenetic location: 15q13.2-13.3.
Variant type: copy number gain.
Change: copy number 3 (three copies instead of two) of chr15:30,935,361-32,444,840 (1.51 Mb, GRCh37 coordinates, 1-based), cytogenetic band 15q13.2-13.3.
Identifiers: ClinVar variation 1328465 (VCV001328465.4).

ClinVar aggregate classification (germline): Uncertain significance (1 of 4 stars; one submission).

Submission:

Illumina Laboratory Services, Illumina
Classification: Uncertain significance. Last evaluated: 2021-01-10. Review status: criteria provided, single submitter. Criteria: ICSL CNVClassificationCriteria Aug2020. Collection method: clinical testing. Allele origin: unknown.
Comment: This CNV is a 1.5 Mb gain of 15q13.2q13.3 on chromosome 15, (seq[GRCh37]dup(15)(q13.2q13.3); chr15:g.30935361_32444840dup). This CNV constitutes a gain encompassing eight protein-coding genes, CHRNA7, FAN1, GOLGA8K, GOLGA8O, KLF13, MTMR10, OTUD7A, and TRPM1, and falls within the BP4-BP5 breakpoints of the 15q13.3 region, however the exact breakpoints cannot be clearly identified. This chromosomal region is known to be susceptible to rearrangements due to a cluster of low copy repeats. 15q13.3 duplications involving BP4-BP5 have been reported in at least 19 individuals presenting with cognitive deficits, ADHD, speech delay, hypotonia, atrial septal defect, and neuropsychiatric phenotypes including seizures, epilepsy, EEG abnormalities, mood disorders, and schizophrenia. Dysmorphic features such as cleft lip and palate, low set ears, hypertelorism, and strabismus were reported in some patients (Miller et al. 2009; van Bon et al. 2009; Gillentine & Schaaf 2015; Hassfurther et al. 2016). In three families, an affected child inherited this duplication from an unaffected parent, and in 11 cases the inheritance was unknown. Similar gains have also been reported in controls (Sharp et al. 2008; Helbig et al. 2009), and two case-control studies have demonstrated a lack of statistically significant enrichment in the clinical population (Kaminsky et al. 2011; Coe et al. 2014). Based on the collective evidence, this CNV is classified as a variant of uncertain significance.

Literature cited by the submitters: PubMed 18278044; PubMed 18805830; PubMed 19136953; PubMed 19372089; PubMed 25217958; PubMed 26095975; PubMed 26997942.